The following is an entry in ClinVar:

NM_001734.5(C1S):c.1284C>T (p.Pro428=)

Gene: C1S (complement C1s; plus strand). Cytogenetic location: 12p13.31.
Variant type: single nucleotide variant.
Coding change: c.1284C>T on transcript NM_001734.5 (MANE Select); coding-DNA position 1284, C replaced by T.
Protein change: p.Pro428=; no amino-acid change (proline 428 retained).
Molecular consequence: synonymous variant.
Genome position (GRCh38, 1-based): chr12:7,069,868, C>T. VCF-style: chr12-7069868-C-T. GRCh37 (hg19) VCF-style: chr12-7177172-C-T.
Other names: c.783C>T, p.Pro261= (NM_001346850.2); c.1284C>T, p.Pro428= (NM_201442.4); c.1284C>T (NM_201442.3).
Identifiers: ClinVar variation 2792422 (VCV002792422.5), dbSNP rs144851896, ClinGen allele CA478186411.

ClinVar aggregate classification (germline): Likely benign. Review status: criteria provided, single submitter (1 of 4 stars). 2 submissions from 2 submitters: Likely benign (1). 1 of the submissions does not count toward it. Last evaluated 2023-02-10.

Conditions:
C1S-related disorder. Also called: C1S-related condition.

gnomAD v4.1: 2 of 1,614,050 alleles (0.00012%); highest among the groups gnomAD compares: Admixed American, 0.0017%; no homozygotes.

Submissions (2):

Labcorp Genetics (formerly Invitae), Labcorp
Classification: Likely benign. Last evaluated: 2023-02-10. Review status: criteria provided, single submitter. Criteria: Invitae Variant Classification Sherloc (09022015). Collection method: clinical testing. Allele origin: germline.

PreventionGenetics, part of Exact Sciences
Classification: Likely benign for C1S-related condition. Last evaluated: 2024-02-06. Review status: no assertion criteria provided. Collection method: clinical testing. Allele origin: germline. Not counted in ClinVar's aggregate classification.
Comment: This variant is classified as likely benign based on ACMG/AMP sequence variant interpretation guidelines (Richards et al. 2015 PMID: 25741868, with internal and published modifications).